The following is an entry in ClinVar:

NM_018344.6(SLC29A3):c.199C>T (p.Pro67Ser)

Gene: SLC29A3 (solute carrier family 29 member 3; plus strand). Cytogenetic location: 10q22.1.
Variant type: single nucleotide variant.
Coding change: c.199C>T on transcript NM_018344.6 (MANE Select); coding-DNA position 199, C replaced by T.
Protein change: p.Pro67Ser; replaces proline 67 with serine.
Molecular consequence: missense variant. On other transcripts: 5 prime UTR variant (1), non-coding transcript variant (2).
Genome position (GRCh38, 1-based): chr10:71,322,953, C>T. VCF-style: chr10-71322953-C-T. GRCh37 (hg19) VCF-style: chr10-73082710-C-T.
Other names: c.199C>T, p.Pro67Ser (NM_001174098.2); c.-36C>T (NM_001363518.2); short protein forms P67S.
Identifiers: ClinVar variation 286630 (VCV000286630.12), dbSNP rs142216905, ClinGen allele CA5542846.

ClinVar aggregate classification (germline): Uncertain significance. Review status: criteria provided, multiple submitters, no conflicts (2 of 4 stars). 2 submissions from 2 submitters: Uncertain significance (2). Last evaluated 2025-07-28.

Conditions:
H syndrome. Also called: Asrar Facharzt Haque syndrome; Histiocytosis with joint contractures and sensorineural deafness; HISTIOCYTOSIS AND LYMPHADENOPATHY WITH OR WITHOUT CUTANEOUS, CARDIAC, AND/OR ENDOCRINE FEATURES, JOINT CONTRACTURES, AND/OR DEAFNESS; HYPERPIGMENTATION, CUTANEOUS, WITH HYPERTRICHOSIS, HEPATOSPLENOMEGALY, HEART ANOMALIES, AND HYPOGONADISM WITH OR WITHOUT HEARING LOSS; PIGMENTED HYPERTRICHOSIS WITH INSULIN-DEPENDENT DIABETES MELLITUS; ROSAI-DORFMAN DISEASE, FAMILIAL. Identifiers: Orphanet 168569, MedGen C1864445, MONDO:0011273, OMIM 602782.

Allele frequency attached by ClinVar (database versions not stated): gnomAD exomes 0.00001 and 0.00005; ExAC 0.00005; gnomAD 0.00009; TOPMed 0.00016; 1000 Genomes Project 30x 0.00031; ESP Exome Variant Server 0.00031; 1000 Genomes Project 0.00040.
gnomAD v4.1: 33 of 1,614,226 alleles (0.002%); highest among the groups gnomAD compares: African/African-American, 0.04%; no homozygotes.

Submissions (2):

Labcorp Genetics (formerly Invitae), Labcorp
Classification: Uncertain significance for H syndrome. Last evaluated: 2025-07-28. Review status: criteria provided, single submitter. Criteria: Invitae Variant Classification Sherloc (09022015). Collection method: clinical testing. Allele origin: germline.
Comment: This sequence change replaces proline, which is neutral and non-polar, with serine, which is neutral and polar, at codon 67 of the SLC29A3 protein (p.Pro67Ser). This variant is present in population databases (rs142216905, gnomAD 0.06%). This variant has not been reported in the literature in individuals affected with SLC29A3-related conditions. ClinVar contains an entry for this variant (Variation ID: 286630). Invitae Evidence Modeling of protein sequence and biophysical properties (such as structural, functional, and spatial information, amino acid conservation, physicochemical variation, residue mobility, and thermodynamic stability) has been performed for this missense variant. However, the output from this modeling did not meet the statistical confidence thresholds required to predict the impact of this variant on SLC29A3 protein function. In summary, the available evidence is currently insufficient to determine the role of this variant in disease. Therefore, it has been classified as a Variant of Uncertain Significance.

Eurofins Ntd Llc (ga)
Classification: Uncertain significance. Last evaluated: 2017-07-24. Review status: criteria provided, single submitter. Criteria: EGL Classification Definitions 2015. Collection method: clinical testing. Allele origin: germline. Observed: 2 variant alleles, 2 heterozygotes.